The following is an entry in ClinVar:

NM_001171613.2(PREPL):c.970C>T (p.Arg324Cys)

Gene: PREPL (prolyl endopeptidase like; minus strand). Cytogenetic location: 2p21.
Variant type: single nucleotide variant.
Coding change: c.970C>T on transcript NM_001171613.2 (MANE Select); coding-DNA position 970, C replaced by T.
Protein change: p.Arg324Cys; replaces arginine 324 with cysteine.
Molecular consequence: missense variant. On other transcripts: intron variant (1).
Genome position (GRCh38, 1-based): chr2:44,332,575, G>A on the plus strand (C>T on the coding strand, the complement: PREPL is on the minus strand). VCF-style: chr2-44332575-G-A. GRCh37 (hg19) VCF-style: chr2-44559714-G-A.
Other names: c.1237C>T, p.Arg413Cys (NM_006036.4, NM_001171603.1, NM_001171606.2 and 2 more transcripts); c.1051C>T, p.Arg351Cys (NM_001042385.2); c.970C>T, p.Arg324Cys (NM_001171617.1, NM_001374277.1); c.1156-3463C>T (NM_001042386.2); short protein forms R413C, R324C, R351C.
Identifiers: ClinVar variation 656416 (VCV000656416.6), dbSNP rs770607340, ClinGen allele CA46541298.

ClinVar aggregate classification (germline): Uncertain significance (1 of 4 stars; one submission).

Conditions:
Myasthenic syndrome, congenital, 22 (CMS22). Also called: PREPL DEFICIENCY. Identifiers: MedGen C4479088, MONDO:0044299, OMIM 616224.

Allele frequency attached by ClinVar (database versions not stated): gnomAD 0.00001; TOPMed 0.00002.
gnomAD v4.1: 14 of 1,613,508 alleles (0.00087%); highest among the groups gnomAD compares: East Asian, 0.02%; no homozygotes.

Submission:

Labcorp Genetics (formerly Invitae), Labcorp
Classification: Uncertain significance for Myasthenic syndrome, congenital, 22. Last evaluated: 2022-06-13. Review status: criteria provided, single submitter. Criteria: Invitae Variant Classification Sherloc (09022015). Collection method: clinical testing. Allele origin: germline.
Comment: ClinVar contains an entry for this variant (Variation ID: 656416). This variant has not been reported in the literature in individuals affected with PREPL-related conditions. This variant is not present in population databases (gnomAD no frequency). This sequence change replaces arginine, which is basic and polar, with cysteine, which is neutral and slightly polar, at codon 413 of the PREPL protein (p.Arg413Cys). Algorithms developed to predict the effect of missense changes on protein structure and function are either unavailable or do not agree on the potential impact of this missense change (SIFT: "Deleterious"; PolyPhen-2: "Benign"; Align-GVGD: "Class C0"). In summary, the available evidence is currently insufficient to determine the role of this variant in disease. Therefore, it has been classified as a Variant of Uncertain Significance.